The following is an entry in ClinVar:

ClinVar aggregate classification (germline): Uncertain significance. Review status: criteria provided, multiple submitters, no conflicts (2 of 4 stars). 3 submissions from 3 submitters: Uncertain significance (3). Last evaluated 2026-02-26.

Conditions:
ANO5-related disorder. Also called: ANO5-related disorders; ANO5-related condition. Identifiers: MedGen CN239193.
Inborn genetic diseases. Identifiers: MedGen C0950123, MeSH D030342.

Allele frequency attached by ClinVar (database versions not stated): gnomAD exomes below 0.00001; TOPMed below 0.00001.

Submissions (3):

Ambry Genetics
Classification: Uncertain significance for Inborn genetic diseases. Last evaluated: 2026-02-26. Review status: criteria provided, single submitter. Criteria: Ambry Variant Classification Scheme 2023. Collection method: clinical testing. Allele origin: germline.

PreventionGenetics, part of Exact Sciences
Classification: Uncertain significance for ANO5-related condition. Last evaluated: 2025-09-08. Review status: criteria provided, single submitter. Criteria: ACMG Guidelines, 2015. Collection method: clinical testing. Allele origin: germline.
Comment: The ANO5 c.130G>A variant is predicted to result in the amino acid substitution p.Glu44Lys. To our knowledge, this variant has not been reported in the literature or in a large population database (gnomAD), indicating this variant is rare. At this time, the clinical significance of this variant is uncertain due to the absence of conclusive functional and genetic evidence.

Eurofins Ntd Llc (ga)
Classification: Uncertain significance. Last evaluated: 2016-10-17. Review status: criteria provided, single submitter. Criteria: EGL Classification Definitions 2015. Collection method: clinical testing. Allele origin: germline. Observed: 1 variant allele, 1 heterozygote.

NM_213599.3(ANO5):c.130G>A (p.Glu44Lys)

Gene: ANO5 (anoctamin 5; plus strand). Cytogenetic location: 11p14.3.
Variant type: single nucleotide variant.
Coding change: c.130G>A on transcript NM_213599.3 (MANE Select); coding-DNA position 130, G replaced by A.
Protein change: p.Glu44Lys; replaces glutamic acid 44 with lysine.
Molecular consequence: missense variant.
Genome position (GRCh38, 1-based): chr11:22,211,306, G>A. VCF-style: chr11-22211306-G-A. GRCh37 (hg19) VCF-style: chr11-22232852-G-A.
Other names: c.130G>A (NM_213599.2); c.127G>A, p.Glu43Lys (NM_001142649.2); short protein forms E44K, E43K.
Identifiers: ClinVar variation 497368 (VCV000497368.7), dbSNP rs1554920664, ClinGen allele CA379924403.